The following is an entry in ClinVar:

ClinVar aggregate classification (germline): Uncertain significance (1 of 4 stars; one submission).

Conditions:
Autosomal dominant nocturnal frontal lobe epilepsy 5. Also called: Epilepsy, nocturnal frontal lobe, 5; KCNT1-Related Epilepsy; CILIARY DYSKINESIA, PRIMARY, 28, WITHOUT SITUS INVERSUS; CILIARY DYSKINESIA, PRIMARY, 28, WITH SITUS INVERSUS. Identifiers: Orphanet 98784, MedGen C3554306, MONDO:0014002, OMIM 615005.
Developmental and epileptic encephalopathy, 14 (DEE14). Also called: Early infantile epileptic encephalopathy 14. Identifiers: Orphanet 293181, MedGen C3554195, MONDO:0013989, OMIM 614959.

Submission:

Labcorp Genetics (formerly Invitae), Labcorp
Classification: Uncertain significance for Autosomal dominant nocturnal frontal lobe epilepsy 5; Developmental and epileptic encephalopathy, 14. Last evaluated: 2021-04-19. Review status: criteria provided, single submitter. Criteria: Invitae Variant Classification Sherloc (09022015). Collection method: clinical testing. Allele origin: germline.
Comment: This variant has not been reported in the literature in individuals with KCNT1-related disease. In summary, the available evidence is currently insufficient to determine the role of this variant in disease. Therefore, it has been classified as a Variant of Uncertain Significance. Experimental studies and prediction algorithms are not available for this variant, and the functional significance of the deleted amino acid is currently unknown. This variant is not present in population databases (ExAC no frequency). This variant, c.2332_2334delTGC, results in the deletion of 1 amino acid of the KCNT1 protein (p.Cys778del), but otherwise preserves the integrity of the reading frame.

NM_020822.3(KCNT1):c.2329TGC[1] (p.Cys778del)

Gene: KCNT1 (potassium sodium-activated channel subfamily T member 1; plus strand). Cytogenetic location: 9q34.3.
Variant type: Microsatellite.
Coding change: c.2329TGC[1] on transcript NM_020822.3 (MANE Select); one copy of the 3-base unit TGC starting at c.2329; the reference has two copies in a row; one copy, 3 bases deleted.
Protein change: p.Cys778del; deletes cysteine 778.
Molecular consequence: inframe deletion.
Genome position (GRCh38, 1-based): chr9:135,775,398-135,775,400, TGC deleted; deleting any 3 consecutive bases within chr9:135,775,394-135,775,400 gives the same sequence; the position shown is the placement nearest the transcript's 3' end. VCF-style (leftmost placement, unchanged base first): chr9-135775393-TCTG-T. GRCh37 (hg19) VCF-style: chr9-138667239-TCTG-T.
Other names: c.2194TGC[1], p.Cys733del (NM_001272003.2); short protein forms C778del, C733del.
Identifiers: ClinVar variation 540578 (VCV000540578.9), dbSNP rs1390654782, ClinGen allele CA591147001.
Genomic context (GRCh38, chr9:135,775,393, plus strand): 5'-ACTCGCCCTACATCGGCAGCTCCCCAACCCTGTGCCACCTCCTGCCTGTGAAAGCCCCCT[TCTG>T]CTGCCTGCGGCTGGACAAGGTAAGGCTGGCGGCTCTGCCGCGCTCTGCACCCCCAGACGC-3'